The following is an entry in ClinVar:

ClinVar aggregate classification (germline): Uncertain significance. Review status: criteria provided, multiple submitters, no conflicts (2 of 4 stars). 2 submissions from 2 submitters: Uncertain significance (2). Last evaluated 2023-04-10.

Conditions:
Catecholaminergic polymorphic ventricular tachycardia (CVPT). Also called: Catecholamine-induced polymorphic ventricular tachycardia. Identifiers: Orphanet 3286, MedGen C5574922, MONDO:0017990.
Catecholaminergic polymorphic ventricular tachycardia 1. Also called: VENTRICULAR TACHYCARDIA, CATECHOLAMINERGIC POLYMORPHIC, 1, WITH OR WITHOUT ATRIAL DYSFUNCTION AND/OR DILATED CARDIOMYOPATHY; RYR2-Related Catecholaminergic Polymorphic Ventricular Tachycardia; VENTRICULAR TACHYCARDIA, STRESS-INDUCED POLYMORPHIC 1. Identifiers: Orphanet 3286, MedGen C1631597, MONDO:0011484, OMIM 604772.

Submissions (2):

All of Us Research Program, National Institutes of Health
Classification: Uncertain significance for Catecholaminergic polymorphic ventricular tachycardia. Last evaluated: 2023-04-10. Review status: criteria provided, single submitter. Criteria: ACMG Guidelines, 2015. Collection method: clinical testing. Allele origin: germline. Inheritance: Autosomal dominant inheritance. Observed: 1 variant allele, 1 heterozygote.
Comment: This missense variant replaces aspartic acid with tyrosine at codon 3706 of the RYR2 protein. Computational prediction is inconclusive regarding the impact of this variant on protein structure and function (internally defined REVEL score threshold 0.5 < inconclusive < 0.7, PMID: 27666373). To our knowledge, functional studies have not been reported for this variant. This variant has not been reported in individuals affected with RYR2-related disorders in the literature. This variant has not been identified in the general population by the Genome Aggregation Database (gnomAD). The available evidence is insufficient to determine the role of this variant in disease conclusively. Therefore, this variant is classified as a Variant of Uncertain Significance.

This study involves interpretation of variants in research participants for the purpose of population health screening. Participant phenotype was not available at the time of variant classification. Additional details can be found in publication PMID: 35346344, PMCID: PMC8962531

Labcorp Genetics (formerly Invitae), Labcorp
Classification: Uncertain significance for Catecholaminergic polymorphic ventricular tachycardia 1. Last evaluated: 2023-03-09. Review status: criteria provided, single submitter. Criteria: Invitae Variant Classification Sherloc (09022015). Collection method: clinical testing. Allele origin: germline.
Comment: Advanced modeling of protein sequence and biophysical properties (such as structural, functional, and spatial information, amino acid conservation, physicochemical variation, residue mobility, and thermodynamic stability) performed at Invitae indicates that this missense variant is not expected to disrupt RYR2 protein function. ClinVar contains an entry for this variant (Variation ID: 404196). This variant has not been reported in the literature in individuals affected with RYR2-related conditions. This variant is not present in population databases (gnomAD no frequency). This sequence change replaces aspartic acid, which is acidic and polar, with tyrosine, which is neutral and polar, at codon 3706 of the RYR2 protein (p.Asp3706Tyr). In summary, the available evidence is currently insufficient to determine the role of this variant in disease. Therefore, it has been classified as a Variant of Uncertain Significance.

NM_001035.3(RYR2):c.11116G>T (p.Asp3706Tyr)

Gene: RYR2 (ryanodine receptor 2; plus strand). Cytogenetic location: 1q43.
Variant type: single nucleotide variant.
Coding change: c.11116G>T on transcript NM_001035.3 (MANE Select); coding-DNA position 11116, G replaced by T.
Protein change: p.Asp3706Tyr; replaces aspartic acid 3706 with tyrosine.
Molecular consequence: missense variant.
Genome position (GRCh38, 1-based): chr1:237,742,320, G>T. VCF-style: chr1-237742320-G-T. GRCh37 (hg19) VCF-style: chr1-237905620-G-T.
Other names: c.11116G>T, p.Asp3706Tyr (LRG_402t1); short protein forms D3706Y.
Identifiers: ClinVar variation 404196 (VCV000404196.51), dbSNP rs942040362, ClinGen allele CA16610090.